The following is an entry in ClinVar:

ClinVar aggregate classification (germline): Likely benign. Review status: criteria provided, multiple submitters, no conflicts (2 of 4 stars). 2 submissions from 2 submitters: Likely benign (2). Last evaluated 2025-10-23.

Conditions:
Combined oxidative phosphorylation defect type 17. Also called: Combined oxidative phosphorylation deficiency 17. Identifiers: Orphanet 369913, MedGen C3809526, MONDO:0014190, OMIM 615440.

Allele frequency attached by ClinVar (database versions not stated): gnomAD 0.00001; TOPMed 0.00001; ExAC 0.00002; gnomAD exomes 0.00002; ESP Exome Variant Server 0.00015.
gnomAD v4.1: 24 of 1,613,578 alleles (0.0015%); highest among the groups gnomAD compares: Middle Eastern, 0.017%; no homozygotes.

Submissions (2):

Labcorp Genetics (formerly Invitae), Labcorp
Classification: Likely benign for Combined oxidative phosphorylation defect type 17. Last evaluated: 2025-10-23. Review status: criteria provided, single submitter. Criteria: Invitae Variant Classification Sherloc (09022015). Collection method: clinical testing. Allele origin: germline.

CeGaT Center for Human Genetics Tuebingen
Classification: Likely benign. Last evaluated: 2024-03-01. Review status: criteria provided, single submitter. Criteria: CeGaT Center For Human Genetics Tuebingen Variant Classification Criteria Version 2. Collection method: clinical testing. Allele origin: germline. Affected: yes. Observed: 1 variant allele.
Comment: ELAC2: BP4, BP7

NM_018127.7(ELAC2):c.1407C>T (p.Asp469=)

Gene: ELAC2 (elaC ribonuclease Z 2; minus strand). Cytogenetic location: 17p12.
Variant type: single nucleotide variant.
Coding change: c.1407C>T on transcript NM_018127.7 (MANE Select); coding-DNA position 1407, C replaced by T.
Protein change: p.Asp469=; no amino-acid change (aspartic acid 469 retained).
Molecular consequence: synonymous variant.
Genome position (GRCh38, 1-based): chr17:13,000,172, G>A on the plus strand (C>T on the coding strand, the complement: ELAC2 is on the minus strand). VCF-style: chr17-13000172-G-A. GRCh37 (hg19) VCF-style: chr17-12903489-G-A.
Other names: c.1287C>T, p.Asp429= (NM_001165962.2); c.1404C>T, p.Asp468= (NM_173717.2).
Identifiers: ClinVar variation 2421452 (VCV002421452.28), dbSNP rs143878748, ClinGen allele CA8401220.